The following is an entry in ClinVar:

ClinVar aggregate classification (germline): Likely benign. Review status: criteria provided, multiple submitters, no conflicts (2 of 4 stars). 2 submissions from 2 submitters: Likely benign (2). Last evaluated 2024-11-19.

Allele frequency attached by ClinVar (database versions not stated): ExAC 0.00007.

Submissions (2):

Blueprint Genetics
Classification: Likely benign. Last evaluated: 2024-11-19. Review status: criteria provided, single submitter. Criteria: ACMG Guidelines, 2015. Collection method: clinical testing. Allele origin: germline.

CeGaT Center for Human Genetics Tuebingen
Classification: Likely benign. Last evaluated: 2023-12-01. Review status: criteria provided, single submitter. Criteria: CeGaT Center For Human Genetics Tuebingen Variant Classification Criteria Version 2. Collection method: clinical testing. Allele origin: germline. Affected: yes. Observed: 1 variant allele.
Comment: FLG: BP4, BP7

NM_002016.2(FLG):c.8196T>G (p.Ser2732=)

Genes: CCDST (cervical cancer associated DHX9 suppressive transcript; plus strand), FLG (filaggrin; minus strand). Cytogenetic location: 1q21.3.
Variant type: single nucleotide variant.
Coding change: c.8196T>G on transcript NM_002016.2 (MANE Select); coding-DNA position 8196, T replaced by G.
Protein change: p.Ser2732=; no amino-acid change (serine 2732 retained).
Molecular consequence: synonymous variant.
Genome position (GRCh38, 1-based): chr1:152,306,690, A>C on the plus strand (T>G on the coding strand, the complement: FLG is on the minus strand). VCF-style: chr1-152306690-A-C. GRCh37 (hg19) VCF-style: chr1-152279166-A-C.
Identifiers: ClinVar variation 3025213 (VCV003025213.23), dbSNP rs765382222, ClinGen allele CA1104390.